The following is an entry in ClinVar:

NM_178452.6(DNAAF1):c.948G>T (p.Lys316Asn)

Gene: DNAAF1 (dynein axonemal assembly factor 1; plus strand). Cytogenetic location: 16q24.1.
Variant type: single nucleotide variant.
Coding change: c.948G>T on transcript NM_178452.6 (MANE Select); coding-DNA position 948, G replaced by T.
Protein change: p.Lys316Asn; replaces lysine 316 with asparagine.
Molecular consequence: missense variant.
Genome position (GRCh38, 1-based): chr16:84,165,867, G>T. VCF-style: chr16-84165867-G-T. GRCh37 (hg19) VCF-style: chr16-84199473-G-T.
Other names: c.948G>T (NM_178452.4); c.192G>T, p.Lys64Asn (NM_001318756.1); short protein forms K316N, K64N.
Identifiers: ClinVar variation 3717177 (VCV003717177.3).

ClinVar aggregate classification (germline): Uncertain significance. Review status: criteria provided, multiple submitters, no conflicts (2 of 4 stars). 2 submissions from 2 submitters: Uncertain significance (2). Last evaluated 2025-01-18.

Conditions:
Primary ciliary dyskinesia. Also called: Ciliary dyskinesia. Identifiers: Orphanet 244, MedGen C0008780, MONDO:0016575, HP:0012265.

Submissions (2):

Ambry Genetics
Classification: Uncertain significance for Primary ciliary dyskinesia. Last evaluated: 2025-01-18. Review status: criteria provided, single submitter. Criteria: Ambry Variant Classification Scheme 2023. Collection method: clinical testing. Allele origin: germline.

Labcorp Genetics (formerly Invitae), Labcorp
Classification: Uncertain significance for Primary ciliary dyskinesia. Last evaluated: 2024-12-12. Review status: criteria provided, single submitter. Criteria: Invitae Variant Classification Sherloc (09022015). Collection method: clinical testing. Allele origin: germline.
Comment: This sequence change replaces lysine, which is basic and polar, with asparagine, which is neutral and polar, at codon 316 of the DNAAF1 protein (p.Lys316Asn). This variant is present in population databases (rs769643138, gnomAD 0.02%). This variant has not been reported in the literature in individuals affected with DNAAF1-related conditions. An algorithm developed to predict the effect of missense changes on protein structure and function (PolyPhen-2) suggests that this variant is likely to be disruptive. In summary, the available evidence is currently insufficient to determine the role of this variant in disease. Therefore, it has been classified as a Variant of Uncertain Significance.